The following is an entry in ClinVar:

ClinVar aggregate classification (germline): Pathogenic (1 of 4 stars; one submission).

Conditions:
alpha Thalassemia. Also called: Alpha thalassemia spectrum. Identifiers: Orphanet 846, MedGen C0002312, MONDO:0011399, OMIM 604131.

Submission:

Rare Disease Research and Therapeutics Development Group, Institute of Molecular Genetics and Genetic Engineering, University of Belgrade
Classification: Pathogenic for alpha Thalassemia. Last evaluated: 2026-08-28. Review status: criteria provided, single submitter. Criteria: ACMG/ClinGen CNV Guidelines, 2019. Collection method: research. Allele origin: germline. Affected: yes.
Comment: The variant is a 3.7-kb rightward deletion (−α³·⁷) in the α-globin gene cluster. The −α³·⁷ deletion results from unequal homologous recombination between homologous Z-box sequences within the duplicated HBA1/HBA2 region, producing a chromosome carrying a single hybrid α-globin gene. It is the most common α-globin deletion worldwide and the most frequent cause of α⁺-thalassemia. The deletion has been reported across diverse populations, with particularly high carrier frequencies in malaria-endemic regions, where α⁺-thalassemia is associated with protection against severe malaria.

Literature cited by the submitters: DOI 10.1159/000503023.

NC_000016.10:g.172242_176046del

Genes: HBA2 (hemoglobin subunit alpha 2; plus strand), LOC106804612 (hemoglobin subunit alpha 2 recombination region; plus strand), LOC106804613 (hemoglobin subunit alpha 1 recombination region; plus strand). Cytogenetic location: 16p13.3.
Variant type: Deletion.
Genome position: GRCh38: chr16:172,242-176,046. GRCh37 (hg19): chr16:222,241-226,045.
Identifiers: ClinVar variation 4886991 (VCV004886991.1).